The following is an entry in ClinVar:

ClinVar aggregate classification (germline): Conflicting classifications of pathogenicity. Review status: criteria provided, conflicting classifications (1 of 4 stars). 4 submissions from 4 submitters: Uncertain significance (2); Likely benign (2). Last evaluated 2026-01-12.

Conditions:
Inborn genetic diseases. Identifiers: MedGen C0950123, MeSH D030342.
Progressive sclerosing poliodystrophy (MTDPS4A). Also called: Alpers Syndrome; NEURONAL DEGENERATION OF CHILDHOOD WITH LIVER DISEASE, PROGRESSIVE; ALPERS DIFFUSE DEGENERATION OF CEREBRAL GRAY MATTER WITH HEPATIC CIRRHOSIS; Alpers-Huttenlocher Syndrome; ALPERS PROGRESSIVE INFANTILE POLIODYSTROPHY; Mitochondrial DNA depletion syndrome 4A (Alpers type). Identifiers: Orphanet 726, MedGen C0205710, MONDO:0008758, OMIM 203700.

Submissions (4):

Labcorp Genetics (formerly Invitae), Labcorp
Classification: Uncertain significance for Progressive sclerosing poliodystrophy. Last evaluated: 2026-01-12. Review status: criteria provided, single submitter. Criteria: Invitae Variant Classification Sherloc (09022015). Collection method: clinical testing. Allele origin: germline.
Comment: This variant, c.144_158dup, results in the insertion of 5 amino acid(s) of the POLG protein (p.Gln51_Gln55dup), but otherwise preserves the integrity of the reading frame. This variant is not present in population databases (gnomAD no frequency). This variant has not been reported in the literature in individuals affected with POLG-related conditions. Experimental studies and prediction algorithms are not available or were not evaluated, and the functional significance of this variant is currently unknown. In summary, the available evidence is currently insufficient to determine the role of this variant in disease. Therefore, it has been classified as a Variant of Uncertain Significance.

Blueprint Genetics
Classification: Uncertain significance. Last evaluated: 2024-10-28. Review status: criteria provided, single submitter. Criteria: ACMG Guidelines, 2015. Collection method: clinical testing. Allele origin: germline.

GeneDx
Classification: Likely benign. Last evaluated: 2023-02-24. Review status: criteria provided, single submitter. Criteria: GeneDx Variant Classification Process June 2021. Collection method: clinical testing. Allele origin: germline. Affected: yes.
Comment: See Variant Classification Assertion Criteria.

Ambry Genetics
Classification: Likely benign for Inborn genetic diseases. Last evaluated: 2017-11-01. Review status: criteria provided, single submitter. Criteria: Ambry Variant Classification Scheme 2023. Collection method: clinical testing. Allele origin: germline.

NM_002693.3(POLG):c.126GCA[16] (p.Gln51_Gln55dup)

Genes: POLG (DNA polymerase gamma, catalytic subunit; minus strand), POLGARF (POLG alternative reading frame; minus strand). Cytogenetic location: 15q26.1.
Variant type: Microsatellite.
Coding change: c.126GCA[16] on transcript NM_002693.3 (MANE Select); 16 copies in a row of the 3-base unit GCA starting at c.126; the reference has 11 copies in a row; five copies, 15 bases duplicated.
Protein change: p.Gln51_Gln55dup.
Molecular consequence: inframe insertion.
Genome position (GRCh38, 1-based): chr15:89,333,597-89,333,611, TGCTGCTGCTGCTGC duplicated on the plus strand (GCAGCAGCAGCAGCA on the coding strand, the reverse complement: POLG is on the minus strand); duplicating any 15 consecutive bases within chr15:89,333,597-89,333,629 gives the same sequence; the position shown is the placement nearest the transcript's 3' end. VCF-style (leftmost placement, unchanged base first): chr15-89333596-T-TTGCTGCTGCTGCTGC. GRCh37 (hg19) VCF-style: chr15-89876827-T-TTGCTGCTGCTGCTGC.
Other names: c.144_158dupGCAGCAGCAGCAGCA (NM_002693.2); c.126GCA[16], p.Gln51_Gln55dup (NM_001126131.2).
Identifiers: ClinVar variation 418621 (VCV000418621.16), dbSNP rs41550117, ClinGen allele CA16620028.